The following is an entry in ClinVar:

ClinVar aggregate classification (germline): Uncertain significance (1 of 4 stars; one submission).

Conditions:
Autosomal dominant hypocalcemia 1 (HYPOC1). Also called: HYPOCALCEMIA, FAMILIAL. Identifiers: MedGen C3715128, MONDO:0011013, OMIM 601198.
Familial hypocalciuric hypercalcemia (FHH). Also called: Familial benign hypercalcemia. Identifiers: Orphanet 405, MedGen C1809471, MONDO:0018458.

Submission:

Labcorp Genetics (formerly Invitae), Labcorp
Classification: Uncertain significance for Familial hypocalciuric hypercalcemia; Autosomal dominant hypocalcemia 1. Last evaluated: 2025-09-24. Review status: criteria provided, single submitter. Criteria: Invitae Variant Classification Sherloc (09022015). Collection method: clinical testing. Allele origin: germline.
Comment: This sequence change replaces valine, which is neutral and non-polar, with phenylalanine, which is neutral and non-polar, at codon 165 of the CASR protein (p.Val165Phe). This variant is not present in population databases (gnomAD no frequency). This variant has not been reported in the literature in individuals affected with CASR-related conditions. An algorithm developed to predict the effect of missense changes on protein structure and function (PolyPhen-2) suggests that this variant is likely to be disruptive. This variant disrupts the p.Val165 amino acid residue in CASR. Other variant(s) that disrupt this residue have been determined to be pathogenic (internal data). This suggests that this residue is clinically significant, and that variants that disrupt this residue are likely to be disease-causing. In summary, the available evidence is currently insufficient to determine the role of this variant in disease. Therefore, it has been classified as a Variant of Uncertain Significance.

NM_000388.4(CASR):c.493G>T (p.Val165Phe)

Gene: CASR (calcium sensing receptor; plus strand). Cytogenetic location: 3q21.1.
Variant type: single nucleotide variant.
Coding change: c.493G>T on transcript NM_000388.4 (MANE Select); coding-DNA position 493, G replaced by T.
Protein change: p.Val165Phe; replaces valine 165 with phenylalanine.
Molecular consequence: missense variant.
Genome position (GRCh38, 1-based): chr3:122,261,528, G>T. VCF-style: chr3-122261528-G-T. GRCh37 (hg19) VCF-style: chr3-121980375-G-T.
Other names: c.493G>T, p.Val165Phe (NM_001178065.2); short protein forms V165F.
Identifiers: ClinVar variation 4786222 (VCV004786222.1).